The following is an entry in ClinVar:

ClinVar aggregate classification (germline): Uncertain significance (1 of 4 stars; one submission).

Allele frequency attached by ClinVar (database versions not stated): gnomAD exomes below 0.00001; ExAC 0.00001.
gnomAD v4.1: 1 of 1,614,046 alleles (0.000062%); highest among the groups gnomAD compares: South Asian, 0.0011%; no homozygotes.

Submission:

Labcorp Genetics (formerly Invitae), Labcorp
Classification: Uncertain significance. Last evaluated: 2022-02-08. Review status: criteria provided, single submitter. Criteria: Invitae Variant Classification Sherloc (09022015). Collection method: clinical testing. Allele origin: germline.
Comment: In summary, the available evidence is currently insufficient to determine the role of this variant in disease. Therefore, it has been classified as a Variant of Uncertain Significance. Algorithms developed to predict the effect of sequence changes on RNA splicing suggest that this variant may create or strengthen a splice site. Algorithms developed to predict the effect of missense changes on protein structure and function (SIFT, PolyPhen-2, Align-GVGD) all suggest that this variant is likely to be tolerated. This variant has not been reported in the literature in individuals affected with MYO5B-related conditions. The frequency data for this variant in the population databases is considered unreliable, as metrics indicate poor data quality at this position in the gnomAD database. This sequence change replaces asparagine, which is neutral and polar, with serine, which is neutral and polar, at codon 1825 of the MYO5B protein (p.Asn1825Ser).

NM_001080467.3(MYO5B):c.5474A>G (p.Asn1825Ser)

Genes: MYO5B (myosin VB; minus strand), SNHG22 (small nucleolar RNA host gene 22; plus strand). Cytogenetic location: 18q21.1.
Variant type: single nucleotide variant.
Coding change: c.5474A>G on transcript NM_001080467.3 (MANE Select); coding-DNA position 5474, A replaced by G.
Protein change: p.Asn1825Ser; replaces asparagine 1825 with serine.
Molecular consequence: missense variant.
Genome position (GRCh38, 1-based): chr18:49,826,544, T>C on the plus strand (A>G on the coding strand, the complement: MYO5B is on the minus strand). VCF-style: chr18-49826544-T-C. GRCh37 (hg19) VCF-style: chr18-47352914-T-C.
Other names: short protein forms N1825S.
Identifiers: ClinVar variation 1968525 (VCV001968525.5), dbSNP rs770089178, ClinGen allele CA8960026.